The following is an entry in ClinVar:

ClinVar aggregate classification (germline): Uncertain significance (1 of 4 stars; one submission).

Allele frequency attached by ClinVar (database versions not stated): TOPMed 0.00001; ExAC 0.00001; gnomAD exomes below 0.00001; gnomAD 0.00001.
gnomAD v4.1: 3 of 1,586,314 alleles (0.00019%); highest among the groups gnomAD compares: Non-Finnish European, 0.00017%; no homozygotes.

Submission:

GeneDx
Classification: Uncertain significance. Last evaluated: 2019-09-17. Review status: criteria provided, single submitter. Criteria: GeneDx Variant Classification Process June 2021. Collection method: clinical testing. Allele origin: germline. Affected: yes.
Comment: Not observed at a significant frequency in large population cohorts (Lek et al., 2016); In silico analysis, which includes protein predictors and evolutionary conservation, supports a deleterious effect; Has not been previously published as pathogenic or benign to our knowledge

NM_013386.5(SLC25A24):c.1103T>C (p.Leu368Ser)

Gene: SLC25A24 (solute carrier family 25 member 24; minus strand). Cytogenetic location: 1p13.3.
Variant type: single nucleotide variant.
Coding change: c.1103T>C on transcript NM_013386.5 (MANE Select); coding-DNA position 1103, T replaced by C.
Protein change: p.Leu368Ser; replaces leucine 368 with serine.
Molecular consequence: missense variant.
Genome position (GRCh38, 1-based): chr1:108,139,204, A>G on the plus strand (T>C on the coding strand, the complement: SLC25A24 is on the minus strand). VCF-style: chr1-108139204-A-G. GRCh37 (hg19) VCF-style: chr1-108681826-A-G.
Other names: c.1046T>C, p.Leu349Ser (NM_213651.3); short protein forms L349S, L368S.
Identifiers: ClinVar variation 1312231 (VCV001312231.2), dbSNP rs756530511, ClinGen allele CA979089.